The following is an entry in ClinVar:

ClinVar aggregate classification (germline): Uncertain significance (1 of 4 stars; one submission).

Conditions:
Inborn genetic diseases. Identifiers: MedGen C0950123, MeSH D030342.

gnomAD v4.1: 2 of 1,612,212 alleles (0.00012%); highest among the groups gnomAD compares: African/African-American, 0.0013%; no homozygotes.

Submission:

Ambry Genetics
Classification: Uncertain significance for Inborn genetic diseases. Last evaluated: 2025-03-08. Review status: criteria provided, single submitter. Criteria: Ambry Variant Classification Scheme 2023. Collection method: clinical testing. Allele origin: germline.
Comment: The p.P287A variant (also known as c.859C>G), located in coding exon 1 of the SAMD9L gene, results from a C to G substitution at nucleotide position 859. The proline at codon 287 is replaced by alanine, an amino acid with highly similar properties. This amino acid position is conserved. In addition, this alteration is predicted to be tolerated by in silico analysis. Based on the available evidence, the clinical significance of this variant remains unclear.

NM_152703.5(SAMD9L):c.859C>G (p.Pro287Ala)

Gene: SAMD9L (sterile alpha motif domain containing 9 like; minus strand). Cytogenetic location: 7q21.2.
Variant type: single nucleotide variant.
Coding change: c.859C>G on transcript NM_152703.5 (MANE Select); coding-DNA position 859, C replaced by G.
Protein change: p.Pro287Ala; replaces proline 287 with alanine.
Molecular consequence: missense variant.
Genome position (GRCh38, 1-based): chr7:93,135,113, G>C on the plus strand (C>G on the coding strand, the complement: SAMD9L is on the minus strand). VCF-style: chr7-93135113-G-C. GRCh37 (hg19) VCF-style: chr7-92764426-G-C.
Other names: c.859C>G, p.Pro287Ala (NM_001303496.3, NM_001303497.3, NM_001303498.3 and 5 more transcripts); short protein forms P287A.
Identifiers: ClinVar variation 3792504 (VCV003792504.1).